The following is an entry in ClinVar:

ClinVar aggregate classification (germline): Benign/Likely benign. Review status: criteria provided, multiple submitters, no conflicts (2 of 4 stars). 3 submissions from 3 submitters: Benign (1); Likely benign (2). Last evaluated 2024-10-15.

Conditions:
Familial adenomatous polyposis 1 (FAP1). Also called: FAMILIAL ADENOMATOUS POLYPOSIS 1, ATTENUATED; POLYPOSIS, ADENOMATOUS INTESTINAL. Identifiers: MedGen C2713442, MONDO:0021056, OMIM 175100. Disease mechanism: loss of function.
Hereditary cancer-predisposing syndrome. Also called: Hereditary Cancer Syndrome; Neoplastic Syndromes, Hereditary; Hereditary neoplastic syndrome; Tumor predisposition. Identifiers: Orphanet 140162, MedGen C0027672, MeSH D009386, MONDO:0015356.

Submissions (3):

Labcorp Genetics (formerly Invitae), Labcorp
Classification: Likely benign for Familial adenomatous polyposis 1. Last evaluated: 2024-10-15. Review status: criteria provided, single submitter. Criteria: Invitae Variant Classification Sherloc (09022015). Collection method: clinical testing. Allele origin: germline.

Myriad Genetics, Inc.
Classification: Benign for Familial adenomatous polyposis 1. Last evaluated: 2024-03-25. Review status: criteria provided, single submitter. Criteria: Myriad Autosomal Dominant, Autosomal Recessive and X-Linked Classification Criteria (2023). Collection method: clinical testing. Allele origin: unknown.
Comment: This variant is considered benign. This variant is a silent/synonymous amino acid change and it is not expected to impact splicing.

Ambry Genetics
Classification: Likely benign for Hereditary cancer-predisposing syndrome. Last evaluated: 2022-05-04. Review status: criteria provided, single submitter. Criteria: Ambry Variant Classification Scheme 2023. Collection method: clinical testing. Allele origin: germline.

NM_000038.6(APC):c.4095T>G (p.Gly1365=)

Gene: APC (APC regulator of Wnt signaling pathway; plus strand). Cytogenetic location: 5q22.2.
Variant type: single nucleotide variant.
Coding change: c.4095T>G on transcript NM_000038.6 (MANE Select); coding-DNA position 4095, T replaced by G.
Protein change: p.Gly1365=; no amino-acid change (glycine 1365 retained).
Molecular consequence: synonymous variant.
Genome position (GRCh38, 1-based): chr5:112,839,689, T>G. VCF-style: chr5-112839689-T-G. GRCh37 (hg19) VCF-style: chr5-112175386-T-G.
Other names: c.4095T>G, p.Gly1365= (NM_001127510.3, NM_001354895.2); c.4041T>G, p.Gly1347= (NM_001127511.3); c.4149T>G, p.Gly1383= (NM_001354896.2); c.4125T>G, p.Gly1375= (NM_001354897.2); c.4020T>G, p.Gly1340= (NM_001354898.2); c.4011T>G, p.Gly1337= (NM_001354899.2); c.3972T>G, p.Gly1324= (NM_001354900.2); c.3918T>G, p.Gly1306= (NM_001354901.2); and 5 more.
Identifiers: ClinVar variation 1093469 (VCV001093469.12), dbSNP rs2149906319, ClinGen allele CA445964109.
Genomic context (GRCh38, chr5:112,839,689, plus strand): 5'-ATCAGCCAGGCACAAAGCTGTTGAATTTTCTTCAGGAGCGAAATCTCCCTCCAAAAGTGG[T>G]GCTCAGACACCCAAAAGTCCACCTGAACACTATGTTCAGGAGACCCCACTCATGTTTAGC-3'
Protein context (NP_000029.2, residues 1355-1375): SSGAKSPSKS[Gly1365=]AQTPKSPPEH